The following is an entry in ClinVar:

NM_017763.6(RNF43):c.809C>T (p.Pro270Leu)

Gene: RNF43 (ring finger protein 43; minus strand). Cytogenetic location: 17q22.
Variant type: single nucleotide variant.
Coding change: c.809C>T on transcript NM_017763.6 (MANE Select); coding-DNA position 809, C replaced by T.
Protein change: p.Pro270Leu; replaces proline 270 with leucine.
Molecular consequence: missense variant.
Genome position (GRCh38, 1-based): chr17:58,360,823, G>A on the plus strand (C>T on the coding strand, the complement: RNF43 is on the minus strand). VCF-style: chr17-58360823-G-A. GRCh37 (hg19) VCF-style: chr17-56438184-G-A.
Other names: c.809C>T, p.Pro270Leu (NM_001305544.3); c.428C>T, p.Pro143Leu (NM_001305545.2); short protein forms P270L, P143L.
Identifiers: ClinVar variation 2891820 (VCV002891820.3), dbSNP rs1474960950, ClinGen allele CA400333794.

ClinVar aggregate classification (germline): Uncertain significance (1 of 4 stars; one submission).

Submission:

Labcorp Genetics (formerly Invitae), Labcorp
Classification: Uncertain significance. Last evaluated: 2023-12-05. Review status: criteria provided, single submitter. Criteria: Invitae Variant Classification Sherloc (09022015). Collection method: clinical testing. Allele origin: germline.
Comment: This sequence change replaces proline, which is neutral and non-polar, with leucine, which is neutral and non-polar, at codon 270 of the RNF43 protein (p.Pro270Leu). This variant is not present in population databases (gnomAD no frequency). This variant has not been reported in the literature in individuals affected with RNF43-related conditions. An algorithm developed to predict the effect of missense changes on protein structure and function (PolyPhen-2) suggests that this variant is likely to be disruptive. In summary, the available evidence is currently insufficient to determine the role of this variant in disease. Therefore, it has been classified as a Variant of Uncertain Significance.